The following is an entry in ClinVar:

NM_001267550.2(TTN):c.107912T>A (p.Leu35971Gln)

Genes: TTN (titin; minus strand), TTN-AS1 (TTN antisense RNA 1; plus strand). Cytogenetic location: 2q31.2.
Variant type: single nucleotide variant.
Coding change: c.107912T>A on transcript NM_001267550.2 (MANE Select); coding-DNA position 107912, T replaced by A.
Protein change: p.Leu35971Gln; replaces leucine 35971 with glutamine.
Molecular consequence: missense variant.
Genome position (GRCh38, 1-based): chr2:178,527,076, A>T on the plus strand (T>A on the coding strand, the complement: TTN is on the minus strand). VCF-style: chr2-178527076-A-T. GRCh37 (hg19) VCF-style: chr2-179391803-A-T.
Other names: c.102989T>A, p.Leu34330Gln (NM_001256850.1); c.80717T>A, p.Leu26906Gln (NM_003319.4); c.100208T>A, p.Leu33403Gln (NM_133378.4); c.81092T>A, p.Leu27031Gln (NM_133432.3); c.81293T>A, p.Leu27098Gln (NM_133437.4); short protein forms L27098Q, L26906Q, L33403Q, L27031Q, L34330Q, L35971Q.
Identifiers: ClinVar variation 862999 (VCV000862999.8), dbSNP rs1686706196, ClinGen allele CA349398362.

ClinVar aggregate classification (germline): Uncertain significance (1 of 4 stars; one submission).

Conditions:
Dilated cardiomyopathy 1G (CMD1G). Identifiers: Orphanet 154, MedGen C1858763, MONDO:0011400, OMIM 604145.
Autosomal recessive limb-girdle muscular dystrophy type 2J (LGMDR10). Also called: MUSCULAR DYSTROPHY, LIMB-GIRDLE, AUTOSOMAL RECESSIVE 10; Limb-girdle muscular dystrophy, type 2J. Identifiers: Orphanet 140922, MedGen C1837342, MONDO:0012127, OMIM 608807.

Submission:

Labcorp Genetics (formerly Invitae), Labcorp
Classification: Uncertain significance for Dilated cardiomyopathy 1G; Autosomal recessive limb-girdle muscular dystrophy type 2J. Last evaluated: 2019-12-31. Review status: criteria provided, single submitter. Criteria: Invitae Variant Classification Sherloc (09022015). Collection method: clinical testing. Allele origin: germline.
Comment: Algorithms developed to predict the effect of sequence changes on RNA splicing suggest that this variant may create or strengthen a splice site, but this prediction has not been confirmed by published transcriptional studies. This variant has not been reported in the literature in individuals with TTN-related conditions. This variant is not present in population databases (ExAC no frequency). This sequence change replaces leucine with glutamine at codon 35971 of the TTN protein (p.Leu35971Gln). There is a moderate physicochemical difference between leucine and glutamine. In summary, the available evidence is currently insufficient to determine the role of this variant in disease. Therefore, it has been classified as a Variant of Uncertain Significance. Algorithms developed to predict the effect of missense changes on protein structure and function are unavailable for the TTN gene. This variant is located in the M band of TTN (PMID: 25589632). Variants in this region may be relevant for neuromuscular disorders, but have not been definitively shown to cause cardiomyopathy (PMID: 23975875).

Literature cited by the submitters: PubMed 25589632; PubMed 23975875.